The following is an entry in ClinVar:

ClinVar aggregate classification (germline): Uncertain significance (1 of 4 stars; one submission).

Conditions:
Facioscapulohumeral muscular dystrophy 2 (FSHD2). Also called: MUSCULAR DYSTROPHY, FACIOSCAPULOHUMERAL, TYPE 1B; FACIOSCAPULOHUMERAL MUSCULAR DYSTROPHY 2, DIGENIC; FSHD2, DIGENIC. Identifiers: Orphanet 269, MedGen C1834671, MONDO:0008031, OMIM 158901.

Allele frequency attached by ClinVar (database versions not stated): gnomAD exomes below 0.00001; gnomAD 0.00001.
gnomAD v4.1: 2 of 1,510,130 alleles (0.00013%); highest among the groups gnomAD compares: African/African-American, 0.0028%; no homozygotes.

Submission:

Labcorp Genetics (formerly Invitae), Labcorp
Classification: Uncertain significance for Facioscapulohumeral muscular dystrophy 2. Last evaluated: 2025-07-27. Review status: criteria provided, single submitter. Criteria: Invitae Variant Classification Sherloc (09022015). Collection method: clinical testing. Allele origin: germline.
Comment: This sequence change falls in intron 24 of the SMCHD1 gene. It does not directly change the encoded amino acid sequence of the SMCHD1 protein. It affects a nucleotide within the consensus splice site. This variant is not present in population databases (gnomAD no frequency). This variant has not been reported in the literature in individuals affected with SMCHD1-related conditions. ClinVar contains an entry for this variant (Variation ID: 2105635). Variants that disrupt the consensus splice site are a relatively common cause of aberrant splicing (PMID: 17576681, 9536098). Algorithms developed to predict the effect of sequence changes on RNA splicing suggest that this variant is not likely to affect RNA splicing. In summary, the available evidence is currently insufficient to determine the role of this variant in disease. Therefore, it has been classified as a Variant of Uncertain Significance.

Literature cited by the submitters: PubMed 17576681; PubMed 9536098.

NM_015295.3(SMCHD1):c.3048+3A>G

Gene: SMCHD1 (structural maintenance of chromosomes flexible hinge domain containing 1; plus strand). Cytogenetic location: 18p11.32.
Variant type: single nucleotide variant.
Coding change: c.3048+3A>G on transcript NM_015295.3 (MANE Select); 3 bases into the intron after coding-DNA position 3048, A replaced by G.
Molecular consequence: intron variant.
Genome position (GRCh38, 1-based): chr18:2,729,412, A>G. VCF-style: chr18-2729412-A-G. GRCh37 (hg19) VCF-style: chr18-2729410-A-G.
Identifiers: ClinVar variation 2105635 (VCV002105635.4), dbSNP rs2075092247, ClinGen allele CA987225517.
Genomic context (GRCh38, chr18:2,729,412, plus strand): 5'-AATTCAAGTTCAGAATATTAAAAAAGACCAGACGCTTAAAGCAAGAATTGAAATACCTGT[A>G]AGTTATTATTGTTACTCATTGATATTATATTGAGTCTTCATACAAATAGTCTTCAACTGC-3'